The following is an entry in ClinVar:

ClinVar aggregate classification (germline): Pathogenic (1 of 4 stars; one submission).

Submission:

Illumina Laboratory Services, Illumina
Classification: Pathogenic. Last evaluated: 2020-05-14. Review status: criteria provided, single submitter. Criteria: ICSL CNVClassificationCriteria Jul2020Prior. Collection method: clinical testing. Allele origin: unknown.
Comment: This CNV is a 6.8 Mb deletion of 18p11.32-p11.31 on chromosome 18, (seq[GRCh37]del(18)(p11.32-p11.31); chr18:g.64996_6838315del), found in a de novo state. This CNV constitutes a loss overlapping the well-described 18p deletion syndrome and encompasses 58 genes. At least three genes in the region are OMIM morbid genes, including SMCHD1, TGIF1 and LPIN2, and two of these, SMCHD1 and TGIF1, are believed to contribute to the phenotype by haploinsufficiency (Hasi-Zogaj et al. 2015). Based on the collective evidence, this CNV is classified as pathogenic.

Literature cited by the submitters: PubMed 26250845.

GRCh37/hg19 18p11.32-11.31(chr18:64996-6838315)x1

Genes: EMILIN2 (elastin microfibril interfacer 2; plus strand), MYL12B (myosin light chain 12B; plus strand), MYOM1 (myomesin 1; minus strand), NDC80 (NDC80 kinetochore complex component; plus strand), L3MBTL4 (L3MBTL histone methyl-lysine binding protein 4; minus strand) and 22 more. Cytogenetic location: 18p11.32-11.31.
Variant type: copy number loss.
Change: copy number 1 (one copy instead of two) of chr18:64,996-6,838,315 (6.77 Mb, GRCh37 coordinates, 1-based), cytogenetic band 18p11.32-11.31.
Identifiers: ClinVar variation 1180530 (VCV001180530.4).